The following is an entry in ClinVar:

ClinVar aggregate classification (germline): Uncertain significance (1 of 4 stars; one submission).

Allele frequency attached by ClinVar (database versions not stated): gnomAD exomes below 0.00001.
gnomAD v4.1: 1 of 1,614,166 alleles (0.000062%); highest among the groups gnomAD compares: Non-Finnish European, 0.000085%; no homozygotes.

Submission:

Labcorp Genetics (formerly Invitae), Labcorp
Classification: Uncertain significance. Last evaluated: 2023-07-14. Review status: criteria provided, single submitter. Criteria: Invitae Variant Classification Sherloc (09022015). Collection method: clinical testing. Allele origin: germline.
Comment: Advanced modeling of protein sequence and biophysical properties (such as structural, functional, and spatial information, amino acid conservation, physicochemical variation, residue mobility, and thermodynamic stability) performed at Invitae indicates that this missense variant is expected to disrupt POLR3B protein function. In summary, the available evidence is currently insufficient to determine the role of this variant in disease. Therefore, it has been classified as a Variant of Uncertain Significance. ClinVar contains an entry for this variant (Variation ID: 1349733). This variant has not been reported in the literature in individuals affected with POLR3B-related conditions. This variant is not present in population databases (gnomAD no frequency). This sequence change replaces arginine, which is basic and polar, with histidine, which is basic and polar, at codon 1052 of the POLR3B protein (p.Arg1052His).

NM_018082.6(POLR3B):c.3155G>A (p.Arg1052His)

Genes: POLR3B (RNA polymerase III subunit B; plus strand), RFX4-AS1 (RFX4 antisense RNA 1; minus strand). Cytogenetic location: 12q23.3.
Variant type: single nucleotide variant.
Coding change: c.3155G>A on transcript NM_018082.6 (MANE Select); coding-DNA position 3155, G replaced by A.
Protein change: p.Arg1052His; replaces arginine 1052 with histidine.
Molecular consequence: missense variant.
Genome position (GRCh38, 1-based): chr12:106,504,137, G>A. VCF-style: chr12-106504137-G-A. GRCh37 (hg19) VCF-style: chr12-106897915-G-A.
Other names: c.2981G>A, p.Arg994His (NM_001160708.2); short protein forms R994H, R1052H.
Identifiers: ClinVar variation 1349733 (VCV001349733.6), dbSNP rs2137088945, ClinGen allele CA386394047.